The following is an entry in ClinVar:

ClinVar aggregate classification (germline): Pathogenic/Likely pathogenic. Review status: criteria provided, multiple submitters, no conflicts (2 of 4 stars). 2 submissions from 2 submitters: Pathogenic (1); Likely pathogenic (1). Last evaluated 2024-02-14.

Conditions:
Trichohepatoenteric syndrome. Also called: THE SYNDROME; Syndromic diarrhea; Tricho-hepato-enteric syndrome. Identifiers: Orphanet 84064, MedGen C1857276, MONDO:0009105.

Submissions (2):

Labcorp Genetics (formerly Invitae), Labcorp
Classification: Pathogenic. Last evaluated: 2024-02-14. Review status: criteria provided, single submitter. Criteria: Invitae Variant Classification Sherloc (09022015). Collection method: clinical testing. Allele origin: germline.
Comment: This sequence change creates a premature translational stop signal (p.Gly546Alafs*83) in the SKIV2L gene. It is expected to result in an absent or disrupted protein product. Loss-of-function variants in SKIV2L are known to be pathogenic (PMID: 22444670). This variant is not present in population databases (gnomAD no frequency). This variant has not been reported in the literature in individuals affected with SKIV2L-related conditions. ClinVar contains an entry for this variant (Variation ID: 1683327). For these reasons, this variant has been classified as Pathogenic.

Women's Health and Genetics/Laboratory Corporation of America, LabCorp
Classification: Likely pathogenic for Trichohepatoenteric syndrome. Last evaluated: 2022-04-15. Review status: criteria provided, single submitter. Criteria: LabCorp Variant Classification Summary - May 2015. Collection method: clinical testing. Allele origin: germline.
Comment: Variant summary: SKIV2L c.1637delG (p.Gly546AlafsX83) results in a premature termination codon, predicted to cause a truncation of the encoded protein or absence of the protein due to nonsense mediated decay, which are commonly known mechanisms for disease. Truncations downstream of this position have been reported in affected individuals (HGMD). The variant was absent in 189078 control chromosomes (gnomAD). To our knowledge, no occurrence of c.1637delG in individuals affected with Trichohepatoenteric Syndrome and no experimental evidence demonstrating its impact on protein function have been reported. No clinical diagnostic laboratories have submitted clinical-significance assessments for this variant to ClinVar after 2014. Based on the evidence outlined above, the variant was classified as likely pathogenic.

Literature cited by the submitters: PubMed 22444670 (cited by Labcorp Genetics (formerly Invitae), Labcorp).

NM_006929.5(SKIC2):c.1637del (p.Gly546fs)

Gene: SKIC2 (SKI2 subunit of superkiller complex; plus strand). Cytogenetic location: 6p21.33.
Variant type: Deletion.
Coding change: c.1637del on transcript NM_006929.5 (MANE Select); coding-DNA position 1637, one base deleted (G; older notation c.1637delG).
Protein change: p.Gly546fs; shifts the reading frame from glycine 546.
Molecular consequence: frameshift variant.
Genome position (GRCh38, 1-based): chr6:31,963,723, G deleted; the last of 6 consecutive G bases (chr6:31,963,718-31,963,723); deleting any one gives the same sequence. VCF-style (leftmost placement, unchanged base first): chr6-31963717-AG-A. GRCh37 (hg19) VCF-style: chr6-31931494-AG-A.
Other names: short protein forms G546fs.
Identifiers: ClinVar variation 1683327 (VCV001683327.4), dbSNP rs1772636752, ClinGen allele CA2573140266.